The following is an entry in ClinVar:

NM_001009944.3(PKD1):c.8299dup (p.Arg2767fs)

Gene: PKD1 (polycystin 1, transient receptor potential channel interacting; minus strand). Cytogenetic location: 16p13.3.
Variant type: Duplication.
Coding change: c.8299dup on transcript NM_001009944.3 (MANE Select); coding-DNA position 8299, one base duplicated (C; older notation c.8299dupC).
Protein change: p.Arg2767fs; shifts the reading frame from arginine 2767.
Molecular consequence: frameshift variant.
Genome position (GRCh38, 1-based): chr16:2,103,758, G duplicated on the plus strand (C on the coding strand, the reverse complement: PKD1 is on the minus strand); the first of 3 consecutive G bases (chr16:2,103,758-2,103,760); duplicating any one gives the same sequence. VCF-style (leftmost placement, unchanged base first): chr16-2103757-C-CG. GRCh37 (hg19) VCF-style: chr16-2153758-C-CG.
Other names: c.8299dup, p.Arg2767fs (NM_000296.4); short protein forms R2767fs.
Identifiers: ClinVar variation 1526218 (VCV001526218.1), dbSNP rs2151755878, ClinGen allele CA2573151964.
Genomic context (GRCh38, chr16:2,103,757, plus strand): 5'-CGCTTGCCCTGGGCCACGATCTCCTCGCCCGCCAGCGTCAGGGGCTCCTCGTTGAGCACG[C>CG]GGGAGCGCATGAGGATGCGCATGAGGGCAGAGGTCAGGTTGTAGGCCTGGGACGCCACCA-3'

ClinVar aggregate classification (germline): Likely pathogenic (1 of 4 stars; one submission).

Conditions:
Polycystic kidney disease, adult type (PKD1). Also called: POLYCYSTIC KIDNEY DISEASE 1 WITH OR WITHOUT POLYCYSTIC LIVER DISEASE; Polycystic Kidney Disease 1, Autosomal Dominant; Polycystic kidney disease 1; Polycystic kidney disease 1, severe; Polycystic Kidney, Autosomal Dominant; POLYCYSTIC KIDNEY DISEASE, ADULT, TYPE I. Identifiers: MedGen C3149841, MONDO:0008263, OMIM 173900.

Submission:

3billion
Classification: Likely pathogenic for Polycystic kidney disease, adult type. Last evaluated: 2022-03-22. Review status: criteria provided, single submitter. Criteria: ACMG Guidelines, 2015. Collection method: clinical testing. Allele origin: germline. Affected: yes. Observed: 1 heterozygote.
Comment: Frameshift: predicted to result in a loss or disruption of normal protein function through nonsense-mediated decay (NMD) or protein truncation. Multiple pathogenic variants are reported downstream of the variant.It is not observed in the gnomAD v2.1.1 dataset. Therefore, this variant is classified as likely pathogenic according to the recommendation of ACMG/AMP guideline.